The following is an entry in ClinVar:

NM_024740.2(ALG9):c.815A>G (p.Tyr272Cys)

Gene: ALG9 (ALG9 alpha-1,2-mannosyltransferase; minus strand). Cytogenetic location: 11q23.1.
Variant type: single nucleotide variant.
Coding change: c.815A>G on transcript NM_024740.2 (MANE Select); coding-DNA position 815, A replaced by G.
Protein change: p.Tyr272Cys; replaces tyrosine 272 with cysteine.
Molecular consequence: missense variant. On other transcripts: non-coding transcript variant (1).
Genome position (GRCh38, 1-based): chr11:111,853,460, T>C on the plus strand (A>G on the coding strand, the complement: ALG9 is on the minus strand). VCF-style: chr11-111853460-T-C. GRCh37 (hg19) VCF-style: chr11-111724183-T-C.
Other names: p.Tyr272Cys; c.815A>G, p.Tyr272Cys (NM_001077690.1, NM_001352417.1, NM_001352418.1); c.302A>G, p.Tyr101Cys (NM_001077691.2, NM_001077692.2, NM_001352409.1 and 11 more transcripts); c.227A>G, p.Tyr76Cys (NM_001352422.2); short protein forms Y101C, Y76C, Y272C.
Identifiers: ClinVar variation 704783 (VCV000704783.17), dbSNP rs145762575, ClinGen allele CA6274548.
Genomic context (GRCh38, chr11:111,853,460, plus strand): 5'-GGAGTAAAGACATTATACAAAACAATGTTGAGTGGTGCAATCACCAACTTCCCATAATAG[T>C]AGCTGTCAATGACCACCACAGGCACCTAAAACAGAGCAGAAAATAGTTTTGATCTAGAAA-3'
Protein context (NP_079016.2, residues 262-282): FLVPVVVIDS[Tyr272Cys]YYGKLVIAPL

ClinVar aggregate classification (germline): Conflicting classifications of pathogenicity. Review status: criteria provided, conflicting classifications (1 of 4 stars). 6 submissions from 6 submitters: Uncertain significance (1); Likely benign (3). 2 of the submissions do not count toward it. Last evaluated 2026-07-01.

Conditions:
ALG9-related disorder. Also called: ALG9-related condition.
ALG9 congenital disorder of glycosylation (CDG1L). Also called: CONGENITAL DISORDER OF GLYCOSYLATION, TYPE Il; CDG Il; ALG9-CDG. Identifiers: Orphanet 79328, MedGen C2931006, MONDO:0012117, OMIM 608776.

Allele frequency attached by ClinVar (database versions not stated): gnomAD exomes 0.00023 and 0.00055; ExAC 0.00062; ESP Exome Variant Server 0.00208; gnomAD 0.00219 and 0.00235; TOPMed 0.00235; 1000 Genomes Project 0.00280; 1000 Genomes Project 30x 0.00281.
gnomAD v4.1: 687 of 1,613,948 alleles (0.043%); highest among the groups gnomAD compares: African/African-American, 0.79%; 3 homozygotes.

Submissions (6):

CeGaT Center for Human Genetics Tuebingen
Classification: Likely benign. Last evaluated: 2026-07-01. Review status: criteria provided, single submitter. Criteria: CeGaT Center For Human Genetics Tuebingen Variant Classification Criteria Version 2. Collection method: clinical testing. Allele origin: germline. Affected: yes. Observed: 1 variant allele.
Comment: ALG9: BS1

Labcorp Genetics (formerly Invitae), Labcorp
Classification: Likely benign for ALG9 congenital disorder of glycosylation. Last evaluated: 2026-01-04. Review status: criteria provided, single submitter. Criteria: Invitae Variant Classification Sherloc (09022015). Collection method: clinical testing. Allele origin: germline.

Mayo Clinic Laboratories, Mayo Clinic
Classification: Uncertain significance. Last evaluated: 2022-12-06. Review status: criteria provided, single submitter. Criteria: ACMG Guidelines, 2015. Collection method: clinical testing. Allele origin: germline. Observed: 1 variant allele.
Comment: BS1

Breakthrough Genomics
Classification: Likely benign. Review status: criteria provided, single submitter. Criteria: ACMG Guidelines, 2015. Collection method: not provided. Allele origin: germline. Inheritance: Autosomal recessive inheritance. Affected: yes.

Genetic Services Laboratory, University of Chicago
Classification: Likely benign. Last evaluated: 2022-08-22. Review status: no assertion criteria provided. Collection method: clinical testing. Allele origin: germline. Affected: no. Not counted in ClinVar's aggregate classification.

PreventionGenetics, part of Exact Sciences
Classification: Likely benign for ALG9-related condition. Last evaluated: 2020-01-02. Review status: no assertion criteria provided. Collection method: clinical testing. Allele origin: germline. Not counted in ClinVar's aggregate classification.
Comment: This variant is classified as likely benign based on ACMG/AMP sequence variant interpretation guidelines (Richards et al. 2015 PMID: 25741868, with internal and published modifications).